The following is an entry in ClinVar:

ClinVar aggregate classification (germline): Likely benign. Review status: criteria provided, multiple submitters, no conflicts (2 of 4 stars). 2 submissions from 2 submitters: Likely benign (2). Last evaluated 2025-03-07.

Conditions:
Charcot-Marie-Tooth disease type 2. Also called: Charcot-Marie-Tooth type 2. Identifiers: Orphanet 64746, MedGen C0270914, MONDO:0018993.

Allele frequency attached by ClinVar (database versions not stated): gnomAD exomes 0.00002; 1000 Genomes Project 30x 0.00031; gnomAD 0.00002; TOPMed 0.00002; 1000 Genomes Project 0.00020; ExAC 0.00002.
gnomAD v4.1: 18 of 1,596,400 alleles (0.0011%); highest among the groups gnomAD compares: East Asian, 0.038%; no homozygotes.

Submissions (2):

Labcorp Genetics (formerly Invitae), Labcorp
Classification: Likely benign for Charcot-Marie-Tooth disease type 2. Last evaluated: 2025-03-07. Review status: criteria provided, single submitter. Criteria: Invitae Variant Classification Sherloc (09022015). Collection method: clinical testing. Allele origin: germline.

GeneDx
Classification: Likely benign. Last evaluated: 2016-02-19. Review status: criteria provided, single submitter. Criteria: GeneDx Variant Classification (06012015). Collection method: clinical testing. Allele origin: germline. Affected: yes.
Comment: This variant is considered likely benign or benign based on one or more of the following criteria: it is a conservative change, it occurs at a poorly conserved position in the protein, it is predicted to be benign by multiple in silico algorithms, and/or has population frequency not consistent with disease.

NM_001122955.4(BSCL2):c.404+15C>G

Genes: BSCL2 (BSCL2 lipid droplet biogenesis associated, seipin; minus strand), HNRNPUL2-BSCL2 (HNRNPUL2-BSCL2 readthrough (NMD candidate); minus strand). Cytogenetic location: 11q12.3.
Variant type: single nucleotide variant.
Coding change: c.404+15C>G on transcript NM_001122955.4 (MANE Select); 15 bases into the intron after coding-DNA position 404, C replaced by G.
Molecular consequence: intron variant.
Genome position (GRCh38, 1-based): chr11:62,705,286, G>C on the plus strand (C>G on the coding strand, the complement: BSCL2 is on the minus strand). VCF-style: chr11-62705286-G-C. GRCh37 (hg19) VCF-style: chr11-62472758-G-C.
Other names: c.212+15C>G (NM_001130702.2, NM_032667.6); c.404+15C>G (NM_001386028.1, NM_001386027.1).
Identifiers: ClinVar variation 383582 (VCV000383582.4), dbSNP rs200598473, ClinGen allele CA6053601.